The following is an entry in ClinVar:

ClinVar aggregate classification (germline): Uncertain significance. Review status: criteria provided, multiple submitters, no conflicts (2 of 4 stars). 2 submissions from 2 submitters: Uncertain significance (2). Last evaluated 2025-01-16.

Conditions:
Hereditary breast ovarian cancer syndrome. Also called: Hereditary breast and ovarian cancer syndrome; BRCA1- and BRCA2-Associated Hereditary Breast and Ovarian Cancer; Breast and ovarian cancer; Hereditary breast and ovarian cancer; Hereditary breast and ovarian cancer syndrome (HBOC); Hereditary breast and/or ovarian cancer syndrome. Identifiers: Orphanet 145, MedGen C0677776, MeSH D061325, MONDO:0003582. Disease mechanism: loss of function.

Submissions (2):

GeneDx
Classification: Uncertain significance. Last evaluated: 2025-01-16. Review status: criteria provided, single submitter. Criteria: GeneDx Variant Classification Process June 2021. Collection method: clinical testing. Allele origin: germline. Affected: yes.
Comment: Not observed at significant frequency in large population cohorts (gnomAD); In silico analysis indicates that this missense variant does not alter protein structure/function; Has not been previously published as pathogenic or benign to our knowledge; Also known as 4774A>G

Labcorp Genetics (formerly Invitae), Labcorp
Classification: Uncertain significance for Hereditary breast ovarian cancer syndrome. Last evaluated: 2023-09-12. Review status: criteria provided, single submitter. Criteria: Invitae Variant Classification Sherloc (09022015). Collection method: clinical testing. Allele origin: germline.
Comment: This variant has not been reported in the literature in individuals affected with BRCA2-related conditions. In summary, the available evidence is currently insufficient to determine the role of this variant in disease. Therefore, it has been classified as a Variant of Uncertain Significance. Advanced modeling of protein sequence and biophysical properties (such as structural, functional, and spatial information, amino acid conservation, physicochemical variation, residue mobility, and thermodynamic stability) performed at Invitae indicates that this missense variant is not expected to disrupt BRCA2 protein function. This variant is not present in population databases (gnomAD no frequency). This sequence change replaces isoleucine, which is neutral and non-polar, with valine, which is neutral and non-polar, at codon 1516 of the BRCA2 protein (p.Ile1516Val).

NM_000059.4(BRCA2):c.4546A>G (p.Ile1516Val)

Gene: BRCA2 (BRCA2 DNA repair associated; plus strand). Cytogenetic location: 13q13.1.
Variant type: single nucleotide variant.
Coding change: c.4546A>G on transcript NM_000059.4 (MANE Select); coding-DNA position 4546, A replaced by G.
Protein change: p.Ile1516Val; replaces isoleucine 1516 with valine.
Molecular consequence: missense variant. On other transcripts: non-coding transcript variant (1), intron variant (2).
Genome position (GRCh38, 1-based): chr13:32,338,901, A>G. VCF-style: chr13-32338901-A-G. GRCh37 (hg19) VCF-style: chr13-32913038-A-G.
Other names: c.4546A>G, p.Ile1516Val (NM_001406719.1, NM_001406720.1); c.1909+5514A>G (NM_001406721.1); c.425-5657A>G (NM_001406722.1); short protein forms I1516V.
Identifiers: ClinVar variation 2904360 (VCV002904360.4), dbSNP rs786202983, ClinGen allele CA387781770.
Genomic context (GRCh38, chr13:32,338,901, plus strand): 5'-CCAGTTGGTACTGGAAATCAACTAGTGACCTTCCAGGGACAACCCGAACGTGATGAAAAG[A>G]TCAAAGAACCTACTCTATTGGGTTTTCATACAGCTAGCGGGAAAAAAGTTAAAATTGCAA-3'
Protein context (NP_000050.3, residues 1506-1526): FQGQPERDEK[Ile1516Val]KEPTLLGFHT